The following is an entry in ClinVar:

NM_000419.5(ITGA2B):c.3083G>A (p.Arg1028Gln)

Gene: ITGA2B (integrin subunit alpha 2b; minus strand). Cytogenetic location: 17q21.31.
Variant type: single nucleotide variant.
Coding change: c.3083G>A on transcript NM_000419.5 (MANE Select); coding-DNA position 3083, G replaced by A.
Protein change: p.Arg1028Gln; replaces arginine 1028 with glutamine.
Molecular consequence: missense variant.
Genome position (GRCh38, 1-based): chr17:44,372,401, C>T on the plus strand (G>A on the coding strand, the complement: ITGA2B is on the minus strand). VCF-style: chr17-44372401-C-T. GRCh37 (hg19) VCF-style: chr17-42449769-C-T.
Other names: short protein forms R1028Q.
Identifiers: ClinVar variation 2177249 (VCV002177249.4), dbSNP rs773819905, ClinGen allele CA8602457.

ClinVar aggregate classification (germline): Uncertain significance (1 of 4 stars; one submission).

Conditions:
Glanzmann thrombasthenia. Also called: BLEEDING DISORDER, PLATELET-TYPE, 2; THROMBASTHENIA OF GLANZMANN AND NAEGELI; Thrombasthenia; PLATELET GLYCOPROTEIN IIb-IIIa DEFICIENCY; Glanzmann's thrombasthenia. Identifiers: Orphanet 849, MedGen C0040015, MONDO:0100326.

Allele frequency attached by ClinVar (database versions not stated): TOPMed below 0.00001; gnomAD 0.00008; gnomAD exomes 0.00009; ExAC 0.00012.
gnomAD v4.1: 65 of 1,613,952 alleles (0.004%); highest among the groups gnomAD compares: South Asian, 0.059%; no homozygotes.

Submission:

Labcorp Genetics (formerly Invitae), Labcorp
Classification: Uncertain significance for Glanzmann thrombasthenia. Last evaluated: 2022-07-20. Review status: criteria provided, single submitter. Criteria: Invitae Variant Classification Sherloc (09022015). Collection method: clinical testing. Allele origin: germline.
Comment: In summary, the available evidence is currently insufficient to determine the role of this variant in disease. Therefore, it has been classified as a Variant of Uncertain Significance. Algorithms developed to predict the effect of missense changes on protein structure and function are either unavailable or do not agree on the potential impact of this missense change (SIFT: "Deleterious"; PolyPhen-2: "Possibly Damaging"; Align-GVGD: "Class C0"). This variant has not been reported in the literature in individuals affected with ITGA2B-related conditions. This variant is present in population databases (rs773819905, gnomAD 0.08%). This sequence change replaces arginine, which is basic and polar, with glutamine, which is neutral and polar, at codon 1028 of the ITGA2B protein (p.Arg1028Gln).